The following is an entry in ClinVar:

NM_001267550.2(TTN):c.89924C>T (p.Ala29975Val)

Genes: TTN (titin; minus strand), TTN-AS1 (TTN antisense RNA 1; plus strand). Cytogenetic location: 2q31.2.
Variant type: single nucleotide variant.
Coding change: c.89924C>T on transcript NM_001267550.2 (MANE Select); coding-DNA position 89924, C replaced by T.
Protein change: p.Ala29975Val; replaces alanine 29975 with valine.
Molecular consequence: missense variant.
Genome position (GRCh38, 1-based): chr2:178,552,976, G>A on the plus strand (C>T on the coding strand, the complement: TTN is on the minus strand). VCF-style: chr2-178552976-G-A. GRCh37 (hg19) VCF-style: chr2-179417703-G-A.
Other names: c.85001C>T, p.Ala28334Val (NM_001256850.1); c.62729C>T, p.Ala20910Val (NM_003319.4); c.82220C>T, p.Ala27407Val (NM_133378.4); c.63104C>T, p.Ala21035Val (NM_133432.3); c.63305C>T, p.Ala21102Val (NM_133437.4); short protein forms A27407V, A29975V, A20910V, A21035V, A21102V, A28334V.
Identifiers: ClinVar variation 332734 (VCV000332734.5), dbSNP rs117097948, ClinGen allele CA1987854.

ClinVar aggregate classification (germline): Conflicting classifications of pathogenicity. Review status: criteria provided, conflicting classifications (1 of 4 stars). 5 submissions from 1 submitter: Uncertain significance (3); Benign (1); Likely benign (1). Last evaluated 2018-01-13.

Conditions:
Autosomal recessive limb-girdle muscular dystrophy type 2J (LGMDR10). Also called: MUSCULAR DYSTROPHY, LIMB-GIRDLE, AUTOSOMAL RECESSIVE 10; Limb-girdle muscular dystrophy, type 2J. Identifiers: Orphanet 140922, MedGen C1837342, MONDO:0012127, OMIM 608807.
Tibial muscular dystrophy (TMD). Also called: Udd Distal Myopathy – Tibial Muscular Dystrophy; UDD MYOPATHY; Tibial muscular dystrophy, tardive. Identifiers: Orphanet 609, MedGen C1838244, MONDO:0010870, OMIM 600334.
Dilated cardiomyopathy 1G (CMD1G). Identifiers: Orphanet 154, MedGen C1858763, MONDO:0011400, OMIM 604145.
Early-onset myopathy with fatal cardiomyopathy (CMYO5). Also called: CONGENITAL MYOPATHY 5 WITH CARDIOMYOPATHY; Salih Myopathy. Identifiers: Orphanet 289377, MedGen C2673677, MONDO:0012714, OMIM 611705. Disease mechanism: loss of function.
Myopathy, myofibrillar, 9, with early respiratory failure (MFM9). Also called: Myopathy, distal, with early respiratory failure, autosomal dominant; Hereditary myopathy with early respiratory failure; EDSTROM MYOPATHY; MYOPATHY, PROXIMAL, WITH EARLY RESPIRATORY MUSCLE INVOLVEMENT. Identifiers: Orphanet 178464, Orphanet 34521, MedGen C1863599, MONDO:0011362, OMIM 603689.

Allele frequency attached by ClinVar (database versions not stated): gnomAD 0.00001 and 0.00005; TOPMed 0.00002; gnomAD exomes 0.00003 and 0.00008; ExAC 0.00009; 1000 Genomes Project 30x 0.00047; 1000 Genomes Project 0.00060.
gnomAD v4.1: 52 of 1,612,476 alleles (0.0032%); highest among the groups gnomAD compares: South Asian, 0.037%; no homozygotes.

Submissions (5):

Illumina Laboratory Services, Illumina
Classification: Likely benign for Myopathy, myofibrillar, 9, with early respiratory failure. Last evaluated: 2018-01-13. Review status: criteria provided, single submitter. Criteria: ICSL Variant Classification Criteria 13 December 2019. Collection method: clinical testing. Allele origin: germline.
Comment: This variant was observed in the ICSL laboratory as part of a predisposition screen in an ostensibly healthy population. It had not been previously curated by ICSL or reported in the Human Gene Mutation Database (HGMD: prior to June 1st, 2018), and was therefore a candidate for classification through an automated scoring system. Utilizing variant allele frequency, disease prevalence and penetrance estimates, and inheritance mode, an automated score was calculated to assess if this variant is too frequent to cause the disease. Based on the score and internal cut-off values, a variant classified as likely benign is not then subjected to further curation. The score for this variant resulted in a classification of likely benign for this disease.

Illumina Laboratory Services, Illumina
Classification: Benign for Tibial muscular dystrophy. Last evaluated: 2018-01-13. Review status: criteria provided, single submitter. Criteria: ICSL Variant Classification Criteria 13 December 2019. Collection method: clinical testing. Allele origin: germline.
Comment: This variant was observed in the ICSL laboratory as part of a predisposition screen in an ostensibly healthy population. It had not been previously curated by ICSL or reported in the Human Gene Mutation Database (HGMD: prior to June 1st, 2018), and was therefore a candidate for classification through an automated scoring system. Utilizing variant allele frequency, disease prevalence and penetrance estimates, and inheritance mode, an automated score was calculated to assess if this variant is too frequent to cause the disease. Based on the score and internal cut-off values, a variant classified as benign is not then subjected to further curation. The score for this variant resulted in a classification of benign for this disease.

Illumina Laboratory Services, Illumina
Classification: Uncertain significance for Autosomal recessive limb-girdle muscular dystrophy type 2J. Last evaluated: 2018-01-13. Review status: criteria provided, single submitter. Criteria: ICSL Variant Classification Criteria 13 December 2019. Collection method: clinical testing. Allele origin: germline.

Illumina Laboratory Services, Illumina
Classification: Uncertain significance for Dilated cardiomyopathy 1G. Last evaluated: 2018-01-13. Review status: criteria provided, single submitter. Criteria: ICSL Variant Classification Criteria 13 December 2019. Collection method: clinical testing. Allele origin: germline.

Illumina Laboratory Services, Illumina
Classification: Uncertain significance for Early-onset myopathy with fatal cardiomyopathy. Last evaluated: 2018-01-13. Review status: criteria provided, single submitter. Criteria: ICSL Variant Classification Criteria 13 December 2019. Collection method: clinical testing. Allele origin: germline.